The following is an entry in ClinVar:

ClinVar aggregate classification (germline): Benign (1 of 4 stars; one submission).

Conditions:
Woodhouse-Sakati syndrome. Also called: Hypogonadism, Alopecia, Diabetes Mellitus, Mental Retardation, and Extrapyramidal Syndrome; Hypogonadism, diabetes mellitus, alopecia, mental retardation and electrocardiographic abnormalities; EXTRAPYRAMIDAL DISORDER, PROGRESSIVE, WITH PRIMARY HYPOGONADISM, MENTAL RETARDATION, AND ALOPECIA. Identifiers: Orphanet 3464, MedGen C0342286, MONDO:0009419, OMIM 241080.

Allele frequency attached by ClinVar (database versions not stated): ExAC 0.00092; gnomAD 0.00114 and 0.00143; gnomAD exomes 0.00213 and 0.00403; TOPMed 0.00221; 1000 Genomes Project 30x 0.00453; 1000 Genomes Project 0.00499.

Submission:

Illumina Laboratory Services, Illumina
Classification: Benign for Woodhouse-Sakati syndrome. Last evaluated: 2017-04-27. Review status: criteria provided, single submitter. Criteria: ICSL Variant Classification Criteria 13 December 2019. Collection method: clinical testing. Allele origin: germline.
Comment: This variant was observed as part of a predisposition screen in an ostensibly healthy population. A literature search was performed for the gene, cDNA change, and amino acid change (where applicable). No publications were found based on this search. Allele frequency data from public databases was too high to be consistent with this variant causing disease. Therefore, this variant is classified as benign.

NM_025000.4(DCAF17):c.*378T>C

Gene: DCAF17 (DDB1 and CUL4 associated factor 17; plus strand). Cytogenetic location: 2q31.1.
Variant type: single nucleotide variant.
Coding change: c.*378T>C on transcript NM_025000.4 (MANE Select); 378 bases downstream of the stop codon, T replaced by C.
Molecular consequence: 3 prime UTR variant. On other transcripts: non-coding transcript variant (1).
Genome position (GRCh38, 1-based): chr2:171,481,492, T>C. VCF-style: chr2-171481492-T-C. GRCh37 (hg19) VCF-style: chr2-172338002-T-C.
Other names: c.*378T>C (NM_001164821.2).
Identifiers: ClinVar variation 894506 (VCV000894506.4), dbSNP rs3795997, ClinGen allele CA1965032.